The following is an entry in ClinVar:

NM_000540.3(RYR1):c.5821C>T (p.His1941Tyr)

Gene: RYR1 (ryanodine receptor 1; plus strand). Cytogenetic location: 19q13.2.
Variant type: single nucleotide variant.
Coding change: c.5821C>T on transcript NM_000540.3 (MANE Select); coding-DNA position 5821, C replaced by T.
Protein change: p.His1941Tyr; replaces histidine 1941 with tyrosine.
Molecular consequence: missense variant.
Genome position (GRCh38, 1-based): chr19:38,490,082, C>T. VCF-style: chr19-38490082-C-T. GRCh37 (hg19) VCF-style: chr19-38980722-C-T.
Other names: c.5821C>T, p.His1941Tyr (NM_001042723.2); short protein forms H1941Y.
Identifiers: ClinVar variation 1708824 (VCV001708824.2), dbSNP rs2514251247, ClinGen allele CA405660280.
Genomic context (GRCh38, chr19:38,490,082, plus strand): 5'-AAGTCCTGATGGTCTCACCTCCATCTCTCCTCCCACACGGCTGTCCTTCCACAGATGTGC[C>T]ACCTGCTGGAGTATTTCTGTGACCAAGAGCTGCAGCACCGTGTGGAGTCCCTGGCAGCCT-3'
Protein context (NP_000531.2, residues 1931-1951): LPESVKLQMC[His1941Tyr]LLEYFCDQEL

ClinVar aggregate classification (germline): Uncertain significance (1 of 4 stars; one submission).

Allele frequency attached by ClinVar (database versions not stated): gnomAD exomes below 0.00001.
gnomAD v4.1: 1 of 1,614,030 alleles (0.000062%); highest among the groups gnomAD compares: Non-Finnish European, 0.000085%; no homozygotes.

Submission:

GeneDx
Classification: Uncertain significance. Last evaluated: 2022-04-08. Review status: criteria provided, single submitter. Criteria: GeneDx Variant Classification Process June 2021. Collection method: clinical testing. Allele origin: germline. Affected: yes.
Comment: Not observed at significant frequency in large population cohorts (gnomAD); In silico analysis supports that this missense variant does not alter protein structure/function; Has not been previously published as pathogenic or benign to our knowledge; This variant is associated with the following publications: (PMID: 12668474)